The following is an entry in ClinVar:

ClinVar aggregate classification (germline): Likely benign (0 of 4 stars; one submission).

Conditions:
GAMT-related disorder. Also called: GAMT-related condition.

Allele frequency attached by ClinVar (database versions not stated): gnomAD 0.00001.

Submission:

PreventionGenetics, part of Exact Sciences
Classification: Likely benign for GAMT-related condition. Last evaluated: 2021-03-08. Review status: no assertion criteria provided. Collection method: clinical testing. Allele origin: germline.
Comment: This variant is classified as likely benign based on ACMG/AMP sequence variant interpretation guidelines (Richards et al. 2015 PMID: 25741868, with internal and published modifications).

NM_000156.6(GAMT):c.570+204C>T

Gene: GAMT (guanidinoacetate N-methyltransferase; minus strand). Cytogenetic location: 19p13.3.
Variant type: single nucleotide variant.
Coding change: c.570+204C>T on transcript NM_000156.6 (MANE Select); 204 bases into the intron after coding-DNA position 570, C replaced by T.
Molecular consequence: intron variant. On other transcripts: synonymous variant (1).
Genome position (GRCh38, 1-based): chr19:1,398,712, G>A on the plus strand (C>T on the coding strand, the complement: GAMT is on the minus strand). VCF-style: chr19-1398712-G-A. GRCh37 (hg19) VCF-style: chr19-1398711-G-A.
Other names: c.774C>T, p.Pro258= (NM_138924.3).
Identifiers: ClinVar variation 3030602 (VCV003030602.2), dbSNP rs1283598210, ClinGen allele CA504894975.
Genomic context (GRCh38, chr19:1,398,712, plus strand): 5'-CAGGCTGGTCTTGAACTCCTAGGCTCAAGCAATCTGCCCACCTCGGCCTTCCACAGTGCT[G>A]GGATTATAGACCTGAGCCACTGCTCCTGGCAGCCACTGCGCCAGGCAAAGGACTTTGATT-3'